The following is an entry in ClinVar:

NM_004991.4(MECOM):c.1655G>A (p.Gly552Glu)

Gene: MECOM (MDS1 and EVI1 complex locus; minus strand). Cytogenetic location: 3q26.2.
Variant type: single nucleotide variant.
Coding change: c.1655G>A on transcript NM_004991.4 (MANE Select); coding-DNA position 1655, G replaced by A.
Protein change: p.Gly552Glu; replaces glycine 552 with glutamic acid.
Molecular consequence: missense variant. On other transcripts: intron variant (2).
Genome position (GRCh38, 1-based): chr3:169,116,217, C>T on the plus strand (G>A on the coding strand, the complement: MECOM is on the minus strand). VCF-style: chr3-169116217-C-T. GRCh37 (hg19) VCF-style: chr3-168834005-C-T.
Other names: c.1286G>A, p.Gly429Glu (NM_001105077.4); c.1091G>A, p.Gly364Glu (NM_001105078.4, NM_001164000.2, NM_001205194.2 and 4 more transcripts); c.1094G>A, p.Gly365Glu (NM_001163999.2, NM_001366467.2, NM_001366468.2 and 1 more transcripts); c.1655G>A, p.Gly552Glu (NM_001366466.2); c.1133-450G>A (NM_001366473.2); c.569-450G>A (NM_001366474.2); short protein forms G365E, G552E, G364E, G429E.
Identifiers: ClinVar variation 3871873 (VCV003871873.1).
Genomic context (GRCh38, chr3:169,116,217, plus strand): 5'-TTCTCAAAGGGCCTCTCTTCAGAGGACCTCTCGGGCTGGAGCTCCACTGGCTTATTGTCC[C>T]CTACAGATGGGTGTTTAGATAGTGCCTTCAAAATATCCTGTGTAGCTGGCAGTATCTGAG-3'
Protein context (NP_004982.2, residues 542-562): LKALSKHPSV[Gly552Glu]DNKPVELQPE

ClinVar aggregate classification (germline): Uncertain significance (1 of 4 stars; one submission).

Conditions:
Inborn genetic diseases. Identifiers: MedGen C0950123, MeSH D030342.

Submission:

Ambry Genetics
Classification: Uncertain significance for Inborn genetic diseases. Last evaluated: 2025-03-02. Review status: criteria provided, single submitter. Criteria: Ambry Variant Classification Scheme 2023. Collection method: clinical testing. Allele origin: germline.
Comment: The p.G552E variant (also known as c.1655G>A), located in coding exon 8 of the MECOM gene, results from a G to A substitution at nucleotide position 1655. The glycine at codon 552 is replaced by glutamic acid, an amino acid with similar properties. This amino acid position is conserved. In addition, this alteration is predicted to be tolerated by in silico analysis. Based on the available evidence, the clinical significance of this variant remains unclear.